The following is an entry in ClinVar:

NM_004311.4(ARL3):c.510G>A (p.Met170Ile)

Gene: ARL3 (ARF like GTPase 3; minus strand). Cytogenetic location: 10q24.32.
Variant type: single nucleotide variant.
Coding change: c.510G>A on transcript NM_004311.4 (MANE Select); coding-DNA position 510, G replaced by A.
Protein change: p.Met170Ile; replaces methionine 170 with isoleucine.
Molecular consequence: missense variant.
Genome position (GRCh38, 1-based): chr10:102,676,933, C>T on the plus strand (G>A on the coding strand, the complement: ARL3 is on the minus strand). VCF-style: chr10-102676933-C-T. GRCh37 (hg19) VCF-style: chr10-104436690-C-T.
Other names: c.510G>A (NM_004311.3); short protein forms M170I.
Identifiers: ClinVar variation 2133610 (VCV002133610.5), dbSNP rs1204728551, ClinGen allele CA377918330.

ClinVar aggregate classification (germline): Uncertain significance. Review status: criteria provided, multiple submitters, no conflicts (2 of 4 stars). 2 submissions from 2 submitters: Uncertain significance (2). Last evaluated 2025-11-05.

Conditions:
Inborn genetic diseases. Identifiers: MedGen C0950123, MeSH D030342.

Submissions (2):

Ambry Genetics
Classification: Uncertain significance for Inborn genetic diseases. Last evaluated: 2025-11-05. Review status: criteria provided, single submitter. Criteria: Ambry Variant Classification Scheme 2023. Collection method: clinical testing. Allele origin: germline.

Labcorp Genetics (formerly Invitae), Labcorp
Classification: Uncertain significance. Last evaluated: 2025-09-03. Review status: criteria provided, single submitter. Criteria: Invitae Variant Classification Sherloc (09022015). Collection method: clinical testing. Allele origin: germline.
Comment: This sequence change replaces methionine, which is neutral and non-polar, with isoleucine, which is neutral and non-polar, at codon 170 of the ARL3 protein (p.Met170Ile). This variant is not present in population databases (gnomAD no frequency). This variant has not been reported in the literature in individuals affected with ARL3-related conditions. ClinVar contains an entry for this variant (Variation ID: 2133610). An algorithm developed to predict the effect of missense changes on protein structure and function (PolyPhen-2) suggests that this variant is likely to be tolerated. In summary, the available evidence is currently insufficient to determine the role of this variant in disease. Therefore, it has been classified as a Variant of Uncertain Significance.